The following is an entry in ClinVar:

ClinVar aggregate classification (germline): Uncertain significance (1 of 4 stars; one submission).

Conditions:
Inborn genetic diseases. Identifiers: MedGen C0950123, MeSH D030342.

Submission:

Ambry Genetics
Classification: Uncertain significance for Inborn genetic diseases. Last evaluated: 2025-08-23. Review status: criteria provided, single submitter. Criteria: Ambry Variant Classification Scheme 2023. Collection method: clinical testing. Allele origin: germline.
Comment: The p.T391P variant (also known as c.1171A>C), located in coding exon 10 of the ANKRD26 gene, results from an A to C substitution at nucleotide position 1171. The threonine at codon 391 is replaced by proline, an amino acid with highly similar properties. This amino acid position is conserved. In addition, this alteration is predicted to be tolerated by in silico analysis. Based on the available evidence, the clinical significance of this variant remains unclear.

NM_014915.3(ANKRD26):c.1171A>C (p.Thr391Pro)

Gene: ANKRD26 (ankyrin repeat domain containing 26; minus strand). Cytogenetic location: 10p12.1.
Variant type: single nucleotide variant.
Coding change: c.1171A>C on transcript NM_014915.3 (MANE Select); coding-DNA position 1171, A replaced by C.
Protein change: p.Thr391Pro; replaces threonine 391 with proline.
Molecular consequence: missense variant.
Genome position (GRCh38, 1-based): chr10:27,067,193, T>G on the plus strand (A>C on the coding strand, the complement: ANKRD26 is on the minus strand). VCF-style: chr10-27067193-T-G. GRCh37 (hg19) VCF-style: chr10-27356122-T-G.
Other names: c.1171A>C, p.Thr391Pro (NM_001256053.2); short protein forms T391P.
Identifiers: ClinVar variation 4104427 (VCV004104427.1).